The following is an entry in ClinVar:

NM_001145358.2(SIN3A):c.1715G>T (p.Gly572Val)

Gene: SIN3A (SIN3 transcription regulator family member A; minus strand). Cytogenetic location: 15q24.2.
Variant type: single nucleotide variant.
Coding change: c.1715G>T on transcript NM_001145358.2 (MANE Select); coding-DNA position 1715, G replaced by T.
Protein change: p.Gly572Val; replaces glycine 572 with valine.
Molecular consequence: missense variant.
Genome position (GRCh38, 1-based): chr15:75,400,752, C>A on the plus strand (G>T on the coding strand, the complement: SIN3A is on the minus strand). VCF-style: chr15-75400752-C-A. GRCh37 (hg19) VCF-style: chr15-75693093-C-A.
Other names: c.1715G>T, p.Gly572Val (NM_001145357.2, NM_015477.3); short protein forms G572V.
Identifiers: ClinVar variation 3376420 (VCV003376420.1).

ClinVar aggregate classification (germline): Uncertain significance (1 of 4 stars; one submission).

Conditions:
SIN3A-related intellectual disability syndrome due to a point mutation. Also called: WITTEVEEN-KOLK SYNDROME; 15q24 Microdeletion Syndrome. Identifiers: Orphanet 500166, Orphanet 94065, MedGen C4310804, MONDO:0044700, OMIM 613406.

Submission:

Pittsburgh Clinical Genomics Laboratory, University of Pittsburgh Medical Center
Classification: Uncertain significance for SIN3A-related intellectual disability syndrome due to a point mutation. Last evaluated: 2024-06-14. Review status: criteria provided, single submitter. Criteria: ACMG Guidelines, 2015. Collection method: clinical testing. Allele origin: germline. Inheritance: Autosomal dominant inheritance. Affected: yes.
Comment: This sequence variant is a single nucleotide substitution (G>T) at position 1715 of the coding sequence of the SIN3A gene that results in a glycine to valine amino acid change at residue 572 of the SIN3 transcription regulator family member A protein. This residue falls in histone deacetylase interacting region of the protein (UniProt). This novel variant is absent from ClinVar, published literature, and the gnomAD v4.1.0 population database (0/~ 1613000 alleles). Multiple bioinformatic tools predict that this amino acid change would be damaging, and the Gly572 residue at this position is highly conserved across the vertebrate species examined. Studies examining the functional consequence of this variant have not been performed, to our knowledge. At this time, there is insufficient evidence to determine if this variant is pathogenic or benign. Therefore, we consider this a variant of uncertain significance. ACMG Criteria: PM1, PM2, PP3